The following is an entry in ClinVar:

NM_178335.3(CCDC50):c.1321C>T (p.Arg441Trp)

Gene: CCDC50 (coiled-coil domain containing 50; plus strand). Cytogenetic location: 3q28.
Variant type: single nucleotide variant.
Coding change: c.1321C>T on transcript NM_178335.3 (MANE Select); coding-DNA position 1321, C replaced by T.
Protein change: p.Arg441Trp; replaces arginine 441 with tryptophan.
Molecular consequence: missense variant.
Genome position (GRCh38, 1-based): chr3:191,382,824, C>T. VCF-style: chr3-191382824-C-T. GRCh37 (hg19) VCF-style: chr3-191100613-C-T.
Other names: c.793C>T, p.Arg265Trp (NM_174908.4); c.1321C>T (NM_178335.2); short protein forms R265W, R441W.
Identifiers: ClinVar variation 2893720 (VCV002893720.4), dbSNP rs532668837, ClinGen allele CA89780563.
Genomic context (GRCh38, chr3:191,382,824, plus strand): 5'-GCAAATTCCAAGTCAAAAGAGAGTGATGAACCTCACCATTCTAAGAATGAAAGGCCAGCA[C>T]GGTAAGCTGACACCTGAAAAGAAAAATGAGGAAGTTGACTTTGGGGTGAATAAGGAGATT-3'
Protein context (NP_848018.1, residues 431-451): PHHSKNERPA[Arg441Trp]PPPPIMTDGE

ClinVar aggregate classification (germline): Uncertain significance. Review status: criteria provided, multiple submitters, no conflicts (2 of 4 stars). 2 submissions from 2 submitters: Uncertain significance (2). Last evaluated 2026-04-23.

Allele frequency attached by ClinVar (database versions not stated): gnomAD 0.00001; gnomAD exomes 0.00001; TOPMed 0.00002.
gnomAD v4.1: 17 of 1,607,636 alleles (0.0011%); highest among the groups gnomAD compares: Admixed American, 0.0017%; no homozygotes.

Submissions (2):

GeneDx
Classification: Uncertain significance. Last evaluated: 2026-04-23. Review status: criteria provided, single submitter. Criteria: GeneDx Variant Classification Process June 2021. Collection method: clinical testing. Allele origin: germline.
Comment: Not observed at significant frequency in large population cohorts (gnomAD); In silico analysis supports that this missense variant has a deleterious effect on protein structure/function; Has not been previously published as pathogenic or benign to our knowledge

Labcorp Genetics (formerly Invitae), Labcorp
Classification: Uncertain significance. Last evaluated: 2025-03-31. Review status: criteria provided, single submitter. Criteria: Invitae Variant Classification Sherloc (09022015). Collection method: clinical testing. Allele origin: germline.
Comment: This sequence change replaces arginine, which is basic and polar, with tryptophan, which is neutral and slightly polar, at codon 441 of the CCDC50 protein (p.Arg441Trp). This variant is not present in population databases (gnomAD no frequency). This variant has not been reported in the literature in individuals affected with CCDC50-related conditions. ClinVar contains an entry for this variant (Variation ID: 2893720). An algorithm developed to predict the effect of missense changes on protein structure and function (PolyPhen-2) suggests that this variant is likely to be disruptive. In summary, the available evidence is currently insufficient to determine the role of this variant in disease. Therefore, it has been classified as a Variant of Uncertain Significance.